The following is an entry in ClinVar:

NM_021098.3(CACNA1H):c.1700C>T (p.Pro567Leu)

Gene: CACNA1H (calcium voltage-gated channel subunit alpha1 H; plus strand). Cytogenetic location: 16p13.3.
Variant type: single nucleotide variant.
Coding change: c.1700C>T on transcript NM_021098.3 (MANE Select); coding-DNA position 1700, C replaced by T.
Protein change: p.Pro567Leu; replaces proline 567 with leucine.
Molecular consequence: missense variant.
Genome position (GRCh38, 1-based): chr16:1,202,150, C>T. VCF-style: chr16-1202150-C-T. GRCh37 (hg19) VCF-style: chr16-1252150-C-T.
Other names: c.1700C>T, p.Pro567Leu (NM_001005407.2); short protein forms P567L.
Identifiers: ClinVar variation 1347724 (VCV001347724.8), dbSNP rs2141259768, ClinGen allele CA394161982.

ClinVar aggregate classification (germline): Uncertain significance (1 of 4 stars; one submission).

Conditions:
Idiopathic generalized epilepsy. Also called: EIG; Generalised epilepsy. Identifiers: MedGen C0270850, MONDO:0005579, OMIM 600669.
Hyperaldosteronism, familial, type IV (HALD4). Also called: FH IV; ALDOSTERONISM, PRIMARY, AND HYPERTENSION. Identifiers: Orphanet 642671, MedGen C4310756, MONDO:0014875, OMIM 617027.

Submission:

Labcorp Genetics (formerly Invitae), Labcorp
Classification: Uncertain significance for Idiopathic generalized epilepsy; Hyperaldosteronism, familial, type IV. Last evaluated: 2021-02-15. Review status: criteria provided, single submitter. Criteria: Invitae Variant Classification Sherloc (09022015). Collection method: clinical testing. Allele origin: germline.
Comment: In summary, the available evidence is currently insufficient to determine the role of this variant in disease. Therefore, it has been classified as a Variant of Uncertain Significance. Advanced modeling of protein sequence and biophysical properties (such as structural, functional, and spatial information, amino acid conservation, physicochemical variation, residue mobility, and thermodynamic stability) performed at Invitae indicates that this missense variant is not expected to disrupt CACNA1H protein function. This variant has not been reported in the literature in individuals with CACNA1H-related conditions. The frequency data for this variant in the population databases is considered unreliable, as metrics indicate insufficient coverage at this position in the ExAC database. This sequence change replaces proline with leucine at codon 567 of the CACNA1H protein (p.Pro567Leu). The proline residue is moderately conserved and there is a moderate physicochemical difference between proline and leucine.